The following is an entry in ClinVar:

NM_031866.3(FZD8):c.900T>C (p.Leu300=)

Genes: FZD8 (frizzled class receptor 8; minus strand), LOC130003691 (ATAC-STARR-seq lymphoblastoid active region 3269; plus strand). Cytogenetic location: 10p11.21.
Variant type: single nucleotide variant.
Coding change: c.900T>C on transcript NM_031866.3 (MANE Select); coding-DNA position 900, T replaced by C.
Protein change: p.Leu300=; no amino-acid change (leucine 300 retained).
Molecular consequence: synonymous variant.
Genome position (GRCh38, 1-based): chr10:35,640,530, A>G on the plus strand (T>C on the coding strand, the complement: FZD8 is on the minus strand). VCF-style: chr10-35640530-A-G. GRCh37 (hg19) VCF-style: chr10-35929458-A-G.
Identifiers: ClinVar variation 4872338 (VCV004872338.2).

ClinVar aggregate classification (germline): Likely benign (1 of 4 stars; one submission).

Submission:

CeGaT Center for Human Genetics Tuebingen
Classification: Likely benign. Last evaluated: 2026-05-01. Review status: criteria provided, single submitter. Criteria: CeGaT Center For Human Genetics Tuebingen Variant Classification Criteria Version 2. Collection method: clinical testing. Allele origin: germline. Affected: yes. Observed: 1 variant allele.
Comment: FZD8: BP4, BP7